The following is an entry in ClinVar:

ClinVar aggregate classification (germline): Benign/Likely benign. Review status: criteria provided, multiple submitters, no conflicts (2 of 4 stars). 7 submissions from 7 submitters: Benign (1); Likely benign (5). 1 of the submissions does not count toward it. Last evaluated 2025-12-24.

Conditions:
TUBGCP6-related disorder. Also called: TUBGCP6-related condition.

Allele frequency attached by ClinVar (database versions not stated): ESP Exome Variant Server 0.00046; 1000 Genomes Project 30x 0.00047; 1000 Genomes Project 0.00060; TOPMed 0.00098.

Submissions (7):

Labcorp Genetics (formerly Invitae), Labcorp
Classification: Benign. Last evaluated: 2025-12-24. Review status: criteria provided, single submitter. Criteria: Invitae Variant Classification Sherloc (09022015). Collection method: clinical testing. Allele origin: germline.

Blueprint Genetics
Classification: Likely benign. Last evaluated: 2024-11-20. Review status: criteria provided, single submitter. Criteria: ACMG Guidelines, 2015. Collection method: clinical testing. Allele origin: germline.

CeGaT Center for Human Genetics Tuebingen
Classification: Likely benign. Last evaluated: 2024-10-01. Review status: criteria provided, single submitter. Criteria: CeGaT Center For Human Genetics Tuebingen Variant Classification Criteria Version 2. Collection method: clinical testing. Allele origin: germline. Affected: yes. Observed: 4 variant alleles.
Comment: TUBGCP6: BP4, BP7

GeneDx
Classification: Likely benign. Last evaluated: 2020-03-12. Review status: criteria provided, single submitter. Criteria: GeneDx Variant Classification Process June 2021. Collection method: clinical testing. Allele origin: germline. Affected: yes.

Genetic Services Laboratory, University of Chicago
Classification: Likely benign. Last evaluated: 2019-10-07. Review status: criteria provided, single submitter. Criteria: ACMG Guidelines, 2015. Collection method: clinical testing. Allele origin: germline. Affected: no.

Breakthrough Genomics
Classification: Likely benign. Review status: criteria provided, single submitter. Criteria: ACMG Guidelines, 2015. Collection method: not provided. Allele origin: germline. Inheritance: Autosomal recessive inheritance. Affected: yes.

PreventionGenetics, part of Exact Sciences
Classification: Likely benign for TUBGCP6-related condition. Last evaluated: 2019-09-26. Review status: no assertion criteria provided. Collection method: clinical testing. Allele origin: germline. Not counted in ClinVar's aggregate classification.
Comment: This variant is classified as likely benign based on ACMG/AMP sequence variant interpretation guidelines (Richards et al. 2015 PMID: 25741868, with internal and published modifications).

NM_020461.4(TUBGCP6):c.42C>A (p.Ala14=)

Gene: TUBGCP6 (tubulin gamma complex component 6; minus strand). Cytogenetic location: 22q13.33.
Variant type: single nucleotide variant.
Coding change: c.42C>A on transcript NM_020461.4 (MANE Select); coding-DNA position 42, C replaced by A.
Protein change: p.Ala14=; no amino-acid change (alanine 14 retained).
Molecular consequence: synonymous variant.
Genome position (GRCh38, 1-based): chr22:50,244,418, G>T on the plus strand (C>A on the coding strand, the complement: TUBGCP6 is on the minus strand). VCF-style: chr22-50244418-G-T. GRCh37 (hg19) VCF-style: chr22-50682847-G-T.
Identifiers: ClinVar variation 722328 (VCV000722328.48), dbSNP rs146878404, ClinGen allele CA10309135.